The following is an entry in ClinVar:

ClinVar aggregate classification (germline): Pathogenic. Review status: criteria provided, multiple submitters, no conflicts (2 of 4 stars). 3 submissions from 3 submitters: Pathogenic (3). Last evaluated 2023-08-16.

Conditions:
Adult hypophosphatasia. Identifiers: Orphanet 247676, Orphanet 436, MedGen C0268413, MONDO:1010154, OMIM 146300, MONDO:0007798.

Submissions (3):

Labcorp Genetics (formerly Invitae), Labcorp
Classification: Pathogenic. Last evaluated: 2023-08-16. Review status: criteria provided, single submitter. Criteria: Invitae Variant Classification Sherloc (09022015). Collection method: clinical testing. Allele origin: germline.
Comment: For these reasons, this variant has been classified as Pathogenic. ClinVar contains an entry for this variant (Variation ID: 493003). This variant has not been reported in the literature in individuals affected with ALPL-related conditions. This variant is present in population databases (rs751994699, gnomAD 0.007%). This sequence change creates a premature translational stop signal (p.Val121Glufs*4) in the ALPL gene. It is expected to result in an absent or disrupted protein product. Loss-of-function variants in ALPL are known to be pathogenic (PMID: 3174660, 10679946, 32973344, 33814268).

Baylor Genetics
Classification: Pathogenic for Adult hypophosphatasia. Last evaluated: 2022-12-12. Review status: criteria provided, single submitter. Criteria: ACMG Guidelines, 2015. Collection method: clinical testing. Allele origin: unknown.

Center for Personalized Medicine, Children's Hospital Los Angeles
Classification: Pathogenic. Last evaluated: 2016-03-15. Review status: criteria provided, single submitter. Criteria: ACMG Guidelines, 2015. Collection method: clinical testing. Allele origin: germline. Affected: yes.

Literature cited by the submitters: PubMed 3174660 (cited by Labcorp Genetics (formerly Invitae), Labcorp); PubMed 10679946 (cited by Labcorp Genetics (formerly Invitae), Labcorp); PubMed 32973344 (cited by Labcorp Genetics (formerly Invitae), Labcorp); PubMed 33814268 (cited by Labcorp Genetics (formerly Invitae), Labcorp).

NM_000478.6(ALPL):c.360_361del (p.Val121fs)

Gene: ALPL (alkaline phosphatase, biomineralization associated; plus strand). Cytogenetic location: 1p36.12.
Variant type: Deletion.
Coding change: c.360_361del on transcript NM_000478.6 (MANE Select); coding-DNA positions 360 to 361, 2 bases deleted (GG; older notation c.360_361delGG).
Protein change: p.Val121fs; shifts the reading frame from valine 121.
Molecular consequence: frameshift variant.
Genome position (GRCh38, 1-based): chr1:21,563,172-21,563,173, GG deleted; deleting any 2 consecutive bases within chr1:21,563,170-21,563,173 gives the same sequence; the c. name uses the placement nearest the transcript's 3' end. VCF-style (leftmost placement, unchanged base first): chr1-21563169-TGG-T. GRCh37 (hg19) VCF-style: chr1-21889662-TGG-T.
Other names: c.195_196del, p.Val66fs (NM_001127501.4); c.129_130del, p.Val44fs (NM_001177520.3); c.360_361del, p.Val121fs (NM_001369803.2, NM_001369804.2, NM_001369805.2); short protein forms V121fs, V44fs, V66fs.
Identifiers: ClinVar variation 493003 (VCV000493003.14), dbSNP rs751994699, ClinGen allele CA666466.
Genomic context (GRCh38, chr1:21,563,169, plus strand): 5'-GACGTACAACACCAATGCCCAGGTCCCTGACAGTGCCGGCACCGCCACCGCCTACCTGTG[TGG>T]GGTGAAGGCCAATGAGGGCACCGTGGGGGTAAGCGCAGCCACTGAGCGTTCCCGGTGCAA-3'